The following is an entry in ClinVar:

NM_198578.4(LRRK2):c.616A>G (p.Met206Val)

Gene: LRRK2 (leucine rich repeat kinase 2; plus strand). Cytogenetic location: 12q12.
Variant type: single nucleotide variant.
Coding change: c.616A>G on transcript NM_198578.4 (MANE Select); coding-DNA position 616, A replaced by G.
Protein change: p.Met206Val; replaces methionine 206 with valine.
Molecular consequence: missense variant.
Genome position (GRCh38, 1-based): chr12:40,240,527, A>G. VCF-style: chr12-40240527-A-G. GRCh37 (hg19) VCF-style: chr12-40634329-A-G.
Other names: short protein forms M206V.
Identifiers: ClinVar variation 2453112 (VCV002453112.2), dbSNP rs2499436039, ClinGen allele CA384404666.
Genomic context (GRCh38, chr12:40,240,527, plus strand): 5'-GTCTTTCATTTTTAAGTCTCAGAGGAGCAACTGACTGAATTTGTTGAGAACAAAGATTAT[A>G]TGATATTGTTAAGTGCGTTAACAAATTTTAAAGATGAAGAGGAAATTGTGCTTCATGTGC-3'
Protein context (NP_940980.4, residues 196-216): LTEFVENKDY[Met206Val]ILLSALTNFK

ClinVar aggregate classification (germline): Uncertain significance (1 of 4 stars; one submission).

Conditions:
Inborn genetic diseases. Identifiers: MedGen C0950123, MeSH D030342.

Submission:

Ambry Genetics
Classification: Uncertain significance for Inborn genetic diseases. Last evaluated: 2023-02-16. Review status: criteria provided, single submitter. Criteria: Ambry Variant Classification Scheme 2023. Collection method: clinical testing. Allele origin: germline.
Comment: The p.M206V variant (also known as c.616A>G), located in coding exon 6 of the LRRK2 gene, results from an A to G substitution at nucleotide position 616. The methionine at codon 206 is replaced by valine, an amino acid with highly similar properties. This amino acid position is conserved. In addition, this alteration is predicted to be tolerated by in silico analysis. Since supporting evidence is limited at this time, the clinical significance of this alteration remains unclear.